The following is an entry in ClinVar:

ClinVar aggregate classification (germline): Pathogenic. Review status: criteria provided, multiple submitters, no conflicts (2 of 4 stars). 2 submissions from 2 submitters: Pathogenic (2). Last evaluated 2024-01-18.

Conditions:
Hereditary cancer-predisposing syndrome. Also called: Tumor predisposition; Hereditary Cancer Syndrome; Hereditary neoplastic syndrome; Neoplastic Syndromes, Hereditary. Identifiers: Orphanet 140162, MedGen C0027672, MeSH D009386, MONDO:0015356.
Familial adenomatous polyposis 1 (FAP1). Also called: FAMILIAL ADENOMATOUS POLYPOSIS 1, ATTENUATED; POLYPOSIS, ADENOMATOUS INTESTINAL. Identifiers: MedGen C2713442, MONDO:0021056, OMIM 175100. Disease mechanism: loss of function.

Submissions (2):

Labcorp Genetics (formerly Invitae), Labcorp
Classification: Pathogenic for Familial adenomatous polyposis 1. Last evaluated: 2024-01-18. Review status: criteria provided, single submitter. Criteria: Invitae Variant Classification Sherloc (09022015). Collection method: clinical testing. Allele origin: germline.
Comment: This sequence change creates a premature translational stop signal (p.Asp1519Cysfs*13) in the APC gene. While this is not anticipated to result in nonsense mediated decay, it is expected to disrupt the last 1325 amino acid(s) of the APC protein. This variant is not present in population databases (gnomAD no frequency). This premature translational stop signal has been observed in individual(s) with familial adenomatous polyposis (PMID: 20685668). ClinVar contains an entry for this variant (Variation ID: 2605057). This variant is expected to disrupt the EB1 and HDLG binding sites, which mediate interactions with the cytoskeleton (PMID: 15311282, 17293347). While functional studies have not been performed to directly test the effect on APC protein function, this suggests that disruption of the C-terminal portion of the protein is functionally important. A different truncation (p.Tyr2645Lysfs*14) that lies downstream of this variant has been determined to be pathogenic (PMID: 9824584, 1316610, 27081525, 8381579, 22135120, Invitae). This suggests that deletion of this region of the APC protein is causative of disease. For these reasons, this variant has been classified as Pathogenic.

Ambry Genetics
Classification: Pathogenic for Hereditary cancer-predisposing syndrome. Last evaluated: 2023-08-28. Review status: criteria provided, single submitter. Criteria: Ambry Variant Classification Scheme 2023. Collection method: clinical testing. Allele origin: germline.
Comment: The c.4555_4556delGA pathogenic mutation, located in coding exon 15 of the APC gene, results from a deletion of two nucleotides at nucleotide positions 4555 to 4556, causing a translational frameshift with a predicted alternate stop codon (p.D1519Cfs*13). This mutation was detected in one FAP patient from a large French cohort (Lagarde A, J. Med. Genet. 2010 Oct; 47(10):721-2). In addition to the clinical data presented in the literature, this alteration is expected to result in loss of function by premature protein truncation. As such, this alteration is interpreted as a disease-causing mutation.

Literature cited by the submitters: PubMed 20685668 (cited by Labcorp Genetics (formerly Invitae), Labcorp and Ambry Genetics); PubMed 15311282 (cited by Labcorp Genetics (formerly Invitae), Labcorp); PubMed 17293347 (cited by Labcorp Genetics (formerly Invitae), Labcorp); PubMed 9824584 (cited by Labcorp Genetics (formerly Invitae), Labcorp); PubMed 1316610 (cited by Labcorp Genetics (formerly Invitae), Labcorp); PubMed 27081525 (cited by Labcorp Genetics (formerly Invitae), Labcorp); PubMed 8381579 (cited by Labcorp Genetics (formerly Invitae), Labcorp); PubMed 22135120 (cited by Labcorp Genetics (formerly Invitae), Labcorp).

NM_000038.6(APC):c.4555_4556del (p.Asp1519fs)

Gene: APC (APC regulator of Wnt signaling pathway; plus strand). Cytogenetic location: 5q22.2.
Variant type: Deletion.
Coding change: c.4555_4556del on transcript NM_000038.6 (MANE Select); coding-DNA positions 4555 to 4556, 2 bases deleted (GA; older notation c.4555_4556delGA).
Protein change: p.Asp1519fs; shifts the reading frame from aspartic acid 1519.
Molecular consequence: frameshift variant. On other transcripts: non-coding transcript variant (2).
Genome position (GRCh38, 1-based): chr5:112,840,149-112,840,150, GA deleted; deleting any 2 consecutive bases within chr5:112,840,148-112,840,150 gives the same sequence; the c. name uses the placement nearest the transcript's 3' end. VCF-style (leftmost placement, unchanged base first): chr5-112840147-AAG-A. GRCh37 (hg19) VCF-style: chr5-112175844-AAG-A.
Other names: c.4555_4556del, p.Asp1519fs (NM_001127510.3, NM_001354895.2, NM_001407450.1); c.4501_4502del, p.Asp1501fs (NM_001127511.3); c.4609_4610del, p.Asp1537fs (NM_001354896.2, NM_001407447.1, NM_001407448.1 and 1 more transcripts); c.4585_4586del, p.Asp1529fs (NM_001354897.2); c.4480_4481del, p.Asp1494fs (NM_001354898.2); c.4471_4472del, p.Asp1491fs (NM_001354899.2); c.4432_4433del, p.Asp1478fs (NM_001354900.2); c.4378_4379del, p.Asp1460fs (NM_001354901.2, NM_001407453.1); and 11 more; short protein forms D1135fs, D1359fs, D1390fs, D1478fs, D1501fs, D1529fs, D1236fs, D1418fs.
Identifiers: ClinVar variation 2605057 (VCV002605057.5), dbSNP rs2533582208, ClinGen allele CA658760745.